The following is an entry in ClinVar:

ClinVar aggregate classification (germline): Uncertain significance. Review status: criteria provided, single submitter (1 of 4 stars). 2 submissions from 2 submitters: Uncertain significance (1). 1 of the submissions does not count toward it. Last evaluated 2021-08-26.

Conditions:
Polycystic kidney disease, adult type (PKD1). Also called: POLYCYSTIC KIDNEY DISEASE 1 WITH OR WITHOUT POLYCYSTIC LIVER DISEASE; POLYCYSTIC KIDNEY DISEASE, ADULT, TYPE I; Polycystic Kidney Disease 1, Autosomal Dominant; Polycystic kidney disease 1; Polycystic kidney disease 1, severe; Polycystic Kidney, Autosomal Dominant. Identifiers: MedGen C3149841, MONDO:0008263, OMIM 173900.
PKD1-related disorder. Also called: PKD1-related condition.

gnomAD v4.1: 69 of 1,611,058 alleles (0.0043%); highest among the groups gnomAD compares: African/African-American, 0.0053%; no homozygotes.

Submissions (2):

Department of Pathology and Laboratory Medicine, Sinai Health System
Classification: Uncertain significance for Polycystic kidney disease, adult type. Last evaluated: 2021-08-26. Review status: criteria provided, single submitter. Criteria: ACMG Guidelines, 2015. Collection method: clinical testing. Allele origin: germline. Affected: yes.

PreventionGenetics, part of Exact Sciences
Classification: Likely benign for PKD1-related condition. Last evaluated: 2019-10-25. Review status: no assertion criteria provided. Collection method: clinical testing. Allele origin: germline. Not counted in ClinVar's aggregate classification.
Comment: This variant is classified as likely benign based on ACMG/AMP sequence variant interpretation guidelines (Richards et al. 2015 PMID: 25741868, with internal and published modifications).

NM_001009944.3(PKD1):c.9568+3T>C

Gene: PKD1 (polycystin 1, transient receptor potential channel interacting; minus strand). Cytogenetic location: 16p13.3.
Variant type: single nucleotide variant.
Coding change: c.9568+3T>C on transcript NM_001009944.3 (MANE Select); 3 bases into the intron after coding-DNA position 9568, T replaced by C.
Molecular consequence: intron variant.
Genome position (GRCh38, 1-based): chr16:2,100,393, A>G on the plus strand (T>C on the coding strand, the complement: PKD1 is on the minus strand). VCF-style: chr16-2100393-A-G. GRCh37 (hg19) VCF-style: chr16-2150394-A-G.
Other names: c.9568+3T>C (NM_000296.4).
Identifiers: ClinVar variation 3045007 (VCV003045007.3), dbSNP rs766423188, ClinGen allele CA7830048.